The following is an entry in ClinVar:

NM_000203.5(IDUA):c.595del (p.Phe198_Leu199insTer)

Gene: IDUA (alpha-L-iduronidase; plus strand). Cytogenetic location: 4p16.3.
Variant type: Deletion.
Coding change: c.595del on transcript NM_000203.5 (MANE Select); coding-DNA position 595, one base deleted (C; older notation c.595delC).
Protein change: p.Phe198_Leu199insTer.
Molecular consequence: nonsense. On other transcripts: non-coding transcript variant (1).
Genome position (GRCh38, 1-based): chr4:1,001,684, C deleted; the last of 2 consecutive C bases (chr4:1,001,683-1,001,684); deleting either gives the same sequence. VCF-style (leftmost placement, unchanged base first): chr4-1001682-TC-T. GRCh37 (hg19) VCF-style: chr4-995470-TC-T.
Other names: c.199del, p.Phe66_Leu67insTer (NM_001363576.1).
Identifiers: ClinVar variation 4069672 (VCV004069672.2).

ClinVar aggregate classification (germline): Likely pathogenic (1 of 4 stars; one submission).

Conditions:
Mucopolysaccharidosis type 1. Also called: IDUA deficiency; MPS I; Mucopolysaccharidosis Type I. Identifiers: Orphanet 579, MedGen C0023786, MONDO:0001586.

Submission:

Natera, Inc.
Classification: Likely pathogenic for Mucopolysaccharidosis type I. Last evaluated: 2025-02-24. Review status: criteria provided, single submitter. Criteria: Natera Variant Classification Schema (03/2026). Collection method: clinical testing. Allele origin: germline.
Comment: The c.595del variant in IDUA is a frameshift variant predicted to shift the reading frame and introduce a stop codon. This variant is expected to result in nonsense mediated decay, truncation, or a dysfunctional protein product. This variant is rare in the general population with a frequency below the threshold expected for the associated phenotype(s). Given the available evidence, this variant is classified as Likely Pathogenic.